The following is an entry in ClinVar:

ClinVar aggregate classification (germline): Uncertain significance (1 of 4 stars; one submission).

Conditions:
Inborn genetic diseases. Identifiers: MedGen C0950123, MeSH D030342.

Submission:

Ambry Genetics
Classification: Uncertain significance for Inborn genetic diseases. Last evaluated: 2025-02-17. Review status: criteria provided, single submitter. Criteria: Ambry Variant Classification Scheme 2023. Collection method: clinical testing. Allele origin: germline.
Comment: The p.F1262L variant (also known as c.3784T>C), located in coding exon 1 of the SAMD9 gene, results from a T to C substitution at nucleotide position 3784. The phenylalanine at codon 1262 is replaced by leucine, an amino acid with highly similar properties. This amino acid position is conserved. In addition, this alteration is predicted to be tolerated by in silico analysis. Based on the available evidence, the clinical significance of this variant remains unclear.

NM_017654.4(SAMD9):c.3784T>C (p.Phe1262Leu)

Gene: SAMD9 (sterile alpha motif domain containing 9; minus strand). Cytogenetic location: 7q21.2.
Variant type: single nucleotide variant.
Coding change: c.3784T>C on transcript NM_017654.4 (MANE Select); coding-DNA position 3784, T replaced by C.
Protein change: p.Phe1262Leu; replaces phenylalanine 1262 with leucine.
Molecular consequence: missense variant.
Genome position (GRCh38, 1-based): chr7:93,102,314, A>G on the plus strand (T>C on the coding strand, the complement: SAMD9 is on the minus strand). VCF-style: chr7-93102314-A-G. GRCh37 (hg19) VCF-style: chr7-92731627-A-G.
Other names: c.3784T>C, p.Phe1262Leu (NM_001193307.2); short protein forms F1262L.
Identifiers: ClinVar variation 3792109 (VCV003792109.1).